The following is an entry in ClinVar:

NM_000352.6(ABCC8):c.2695-2A>T

Gene: ABCC8 (ATP binding cassette subfamily C member 8; minus strand). Cytogenetic location: 11p15.1.
Variant type: single nucleotide variant.
Coding change: c.2695-2A>T on transcript NM_000352.6 (MANE Select); the canonical splice acceptor site of the intron before coding-DNA position 2695, A replaced by T.
Molecular consequence: splice acceptor variant.
Genome position (GRCh38, 1-based): chr11:17,408,519, T>A on the plus strand (A>T on the coding strand, the complement: ABCC8 is on the minus strand). VCF-style: chr11-17408519-T-A. GRCh37 (hg19) VCF-style: chr11-17430066-T-A.
Other names: c.2692-2A>T (NM_001351297.2); c.2695-2A>T (NM_001351296.2); c.2761-2A>T (NM_001351295.2); c.2698-2A>T (NM_001287174.3).
Identifiers: ClinVar variation 217844 (VCV000217844.2), dbSNP rs863225278, ClinGen allele CA279599.

ClinVar aggregate classification (germline): Uncertain significance. Review status: criteria provided, single submitter (1 of 4 stars). 3 submissions from 2 submitters: Uncertain significance (2). 1 of the submissions does not count toward it.

Conditions:
Transitory neonatal diabetes mellitus. Also called: Transient neonatal diabetes mellitus. Identifiers: MedGen C0342273, MONDO:0020525, HP:0008255.
Maturity-onset diabetes of the young (MODY). Also called: Maturity onset diabetes mellitus in young. Identifiers: Orphanet 552, MedGen C0342276, MONDO:0018911, HP:0004904.

Submissions (3):

Clinical Genomics, Uppaluri K&H Personalized Medicine Clinic
Classification: Uncertain significance for Maturity-onset diabetes of the young. Review status: criteria provided, single submitter. Criteria: K & H Uppaluri Personalized Medicine Clinic Variant Classification & Assertion Criteria_Updated V.1. Collection method: research. Allele origin: unknown. Inheritance: Somatic mutation.
Comment: Mutations in ABCC8 gene are associated with both neonatal diabetes mellitus as well as MODY. Patients with this mutation may have a better response to sulfonylureas. However, no sufficient evidence is found to ascertain the role of this particular variant (rs863225278) in MODY yet.

Clinical Genomics, Uppaluri K&H Personalized Medicine Clinic
Classification: Uncertain significance for Transitory neonatal diabetes mellitus. Review status: criteria provided, single submitter. Criteria: K & H Uppaluri Personalized Medicine Clinic Variant Classification & Assertion Criteria_Updated V.1. Collection method: research. Allele origin: unknown. Inheritance: Somatic mutation.
Comment: Mutations in ABCC8 gene are associated with both neonatal diabetes mellitus as well as MODY. Patients with this mutation may have a better response to sulfonylureas. However, no sufficient evidence is found to ascertain the role of this particular variant ( rs863225278) in neonatal diabetes yet.

Genomic Diagnostic Laboratory, Division of Genomic Diagnostics, Children's Hospital of Philadelphia
Classification: Pathogenic. Last evaluated: 2015-10-27. Review status: no assertion criteria provided. Collection method: clinical testing. Allele origin: germline. Observed: 1 variant allele. Not counted in ClinVar's aggregate classification.
Comment: Clinical Testing

Literature cited by the submitters: PubMed 16885549 (cited by Clinical Genomics, Uppaluri K&H Personalized Medicine Clinic); PubMed 21989597 (cited by Clinical Genomics, Uppaluri K&H Personalized Medicine Clinic); PubMed 27538677 (cited by Clinical Genomics, Uppaluri K&H Personalized Medicine Clinic); PubMed 18981553 (cited by Clinical Genomics, Uppaluri K&H Personalized Medicine Clinic); PubMed 32027066 (cited by Clinical Genomics, Uppaluri K&H Personalized Medicine Clinic); PubMed 16613899 (cited by Clinical Genomics, Uppaluri K&H Personalized Medicine Clinic); PubMed 18025408 (cited by Clinical Genomics, Uppaluri K&H Personalized Medicine Clinic); PubMed 32792356 (cited by Clinical Genomics, Uppaluri K&H Personalized Medicine Clinic).